The following is an entry in ClinVar:

ClinVar aggregate classification (germline): Uncertain significance (1 of 4 stars; one submission).

Submission:

Labcorp Genetics (formerly Invitae), Labcorp
Classification: Uncertain significance. Last evaluated: 2024-06-26. Review status: criteria provided, single submitter. Criteria: Invitae Variant Classification Sherloc (09022015). Collection method: clinical testing. Allele origin: germline.
Comment: This sequence change replaces serine, which is neutral and polar, with arginine, which is basic and polar, at codon 767 of the REPS1 protein (p.Ser767Arg). This variant is not present in population databases (gnomAD no frequency). This variant has not been reported in the literature in individuals affected with REPS1-related conditions. Advanced modeling of protein sequence and biophysical properties (such as structural, functional, and spatial information, amino acid conservation, physicochemical variation, residue mobility, and thermodynamic stability) has been performed at Invitae for this missense variant, however the output from this modeling did not meet the statistical confidence thresholds required to predict the impact of this variant on REPS1 protein function. In summary, the available evidence is currently insufficient to determine the role of this variant in disease. Therefore, it has been classified as a Variant of Uncertain Significance.

NM_001286611.2(REPS1):c.2299A>C (p.Ser767Arg)

Gene: REPS1 (RALBP1 associated Eps domain containing 1; minus strand). Cytogenetic location: 6q24.1.
Variant type: single nucleotide variant.
Coding change: c.2299A>C on transcript NM_001286611.2 (MANE Select); coding-DNA position 2299, A replaced by C.
Protein change: p.Ser767Arg; replaces serine 767 with arginine.
Molecular consequence: missense variant.
Genome position (GRCh38, 1-based): chr6:138,907,518, T>G on the plus strand (A>C on the coding strand, the complement: REPS1 is on the minus strand). VCF-style: chr6-138907518-T-G. GRCh37 (hg19) VCF-style: chr6-139228655-T-G.
Other names: c.2218A>C, p.Ser740Arg (NM_001128617.3); c.2026A>C, p.Ser676Arg (NM_001286612.2); c.2296A>C, p.Ser766Arg (NM_031922.5); short protein forms S767R, S740R, S766R, S676R.
Identifiers: ClinVar variation 3657902 (VCV003657902.2).
Genomic context (GRCh38, chr6:138,907,518, plus strand): 5'-GATAAGGAACATTATAAAGATTCAGAAACTATATTACCTTTAATTGTTGCTGCAATTCGC[T>G]ATTCAATCTGGCCAAAACGGTGTTGGTTTCCTTATTACGTCTAATTGATGCCTGAATAGC-3'
Protein context (NP_001273540.1, residues 757-777): ETNTVLARLN[Ser767Arg]ELQQQLKDVL